The following is an entry in ClinVar:

NM_004360.5(CDH1):c.2341G>A (p.Glu781Lys)

Gene: CDH1 (cadherin 1; plus strand). Cytogenetic location: 16q22.1.
Variant type: single nucleotide variant.
Coding change: c.2341G>A on transcript NM_004360.5 (MANE Select); coding-DNA position 2341, G replaced by A.
Protein change: p.Glu781Lys; replaces glutamic acid 781 with lysine.
Molecular consequence: missense variant.
Genome position (GRCh38, 1-based): chr16:68,829,699, G>A. VCF-style: chr16-68829699-G-A. GRCh37 (hg19) VCF-style: chr16-68863602-G-A.
Other names: c.2158G>A, p.Glu720Lys (NM_001317184.2); c.793G>A, p.Glu265Lys (NM_001317185.2); c.376G>A, p.Glu126Lys (NM_001317186.2); short protein forms E126K, E781K, E720K, E265K.
Identifiers: ClinVar variation 1789873 (VCV001789873.4), dbSNP rs2543956986, ClinGen allele CA396470955.

ClinVar aggregate classification (germline): Uncertain significance (1 of 4 stars; one submission).

Conditions:
Hereditary cancer-predisposing syndrome. Also called: Hereditary Cancer Syndrome; Hereditary neoplastic syndrome; Tumor predisposition; Neoplastic Syndromes, Hereditary. Identifiers: Orphanet 140162, MedGen C0027672, MeSH D009386, MONDO:0015356.

Submission:

Ambry Genetics
Classification: Uncertain significance for Hereditary cancer-predisposing syndrome. Last evaluated: 2025-04-08. Review status: criteria provided, single submitter. Criteria: Ambry Variant Classification Scheme 2023. Collection method: clinical testing. Allele origin: germline.
Comment: The p.E781K variant (also known as c.2341G>A), located in coding exon 15 of the CDH1 gene, results from a G to A substitution at nucleotide position 2341. The glutamic acid at codon 781 is replaced by lysine, an amino acid with similar properties. This amino acid position is well conserved in available vertebrate species. In addition, the in silico prediction for this alteration is inconclusive. Since supporting evidence is limited at this time, the clinical significance of this alteration remains unclear.